The following is an entry in ClinVar:

ClinVar aggregate classification (germline): Uncertain significance (1 of 4 stars; one submission).

Allele frequency attached by ClinVar (database versions not stated): gnomAD exomes below 0.00001.
gnomAD v4.1: 1 of 1,605,376 alleles (0.000062%); highest among the groups gnomAD compares: Non-Finnish European, 0.000085%; no homozygotes.

Submission:

Labcorp Genetics (formerly Invitae), Labcorp
Classification: Uncertain significance. Last evaluated: 2022-12-02. Review status: criteria provided, single submitter. Criteria: Invitae Variant Classification Sherloc (09022015). Collection method: clinical testing. Allele origin: germline.
Comment: Algorithms developed to predict the effect of missense changes on protein structure and function are either unavailable or do not agree on the potential impact of this missense change (SIFT: "Tolerated"; PolyPhen-2: "Not Available"; Align-GVGD: "Class C0"). In summary, the available evidence is currently insufficient to determine the role of this variant in disease. Therefore, it has been classified as a Variant of Uncertain Significance. ClinVar contains an entry for this variant (Variation ID: 1680226). This variant has not been reported in the literature in individuals affected with WHSC1-related conditions. This variant is not present in population databases (gnomAD no frequency). This sequence change replaces lysine, which is basic and polar, with arginine, which is basic and polar, at codon 1340 of the WHSC1 protein (p.Lys1340Arg).

NM_001042424.3(NSD2):c.4019A>G (p.Lys1340Arg)

Gene: NSD2 (nuclear receptor binding SET domain protein 2; plus strand). Cytogenetic location: 4p16.3.
Variant type: single nucleotide variant.
Coding change: c.4019A>G on transcript NM_001042424.3 (MANE Select); coding-DNA position 4019, A replaced by G.
Protein change: p.Lys1340Arg; replaces lysine 1340 with arginine.
Molecular consequence: missense variant.
Genome position (GRCh38, 1-based): chr4:1,978,830, A>G. VCF-style: chr4-1978830-A-G. GRCh37 (hg19) VCF-style: chr4-1980557-A-G.
Other names: c.4019A>G, p.Lys1340Arg (NM_133330.3, NM_133331.3, NM_133335.4); short protein forms K1340R.
Identifiers: ClinVar variation 1680226 (VCV001680226.6), dbSNP rs2109034617, ClinGen allele CA356006636.
Genomic context (GRCh38, chr4:1,978,830, plus strand): 5'-GGTCCTACTGCTGTGAGCATGACTTAGGGGCGGCATCGGTCAGAAGCACCAAGACTGAGA[A>G]GCCCCCCCCAGAGCCAGGGAAGCCGAAGGGGAAGAGGCGGCGGCGGAGGGGCTGGCGGAG-3'
Protein context (NP_001035889.1, residues 1330-1350): AASVRSTKTE[Lys1340Arg]PPPEPGKPKG